The following is an entry in ClinVar:

NM_000059.4(BRCA2):c.1460C>A (p.Ala487Glu)

Gene: BRCA2 (BRCA2 DNA repair associated; plus strand). Cytogenetic location: 13q13.1.
Variant type: single nucleotide variant.
Coding change: c.1460C>A on transcript NM_000059.4 (MANE Select); coding-DNA position 1460, C replaced by A.
Protein change: p.Ala487Glu; replaces alanine 487 with glutamic acid.
Molecular consequence: missense variant.
Genome position (GRCh38, 1-based): chr13:32,332,938, C>A. VCF-style: chr13-32332938-C-A. GRCh37 (hg19) VCF-style: chr13-32907075-C-A.
Other names: p.A487E:GCA>GAA; 1688C>A; short protein forms A487E.
Identifiers: ClinVar variation 37741 (VCV000037741.45), dbSNP rs56390402, ClinGen allele CA012131.

ClinVar aggregate classification (germline): Conflicting classifications of pathogenicity. Review status: criteria provided, conflicting classifications (1 of 4 stars). 20 submissions from 19 submitters: Uncertain significance (2); Benign (5); Likely benign (8). 5 of the submissions do not count toward it. Last evaluated 2026-01-31.

Conditions:
Hereditary cancer-predisposing syndrome. Also called: Hereditary neoplastic syndrome; Neoplastic Syndromes, Hereditary; Tumor predisposition; Hereditary Cancer Syndrome. Identifiers: Orphanet 140162, MedGen C0027672, MeSH D009386, MONDO:0015356.
Hereditary breast ovarian cancer syndrome. Also called: Breast and ovarian cancer; Hereditary breast and ovarian cancer syndrome; Hereditary breast and/or ovarian cancer syndrome; BRCA1- and BRCA2-Associated Hereditary Breast and Ovarian Cancer; Hereditary breast and ovarian cancer; Hereditary breast and ovarian cancer syndrome (HBOC). Identifiers: Orphanet 145, MedGen C0677776, MeSH D061325, MONDO:0003582. Disease mechanism: loss of function.
Breast-ovarian cancer, familial, susceptibility to, 2 (BROVCA2). Also called: BRCA2 Hereditary Breast and Ovarian Cancer. Identifiers: Orphanet 145, MedGen C2675520, MONDO:0012933, OMIM 612555. Disease mechanism: loss of function.
Fanconi anemia complementation group D1. Also called: BRCA2-Related Fanconi Anemia. Identifiers: Orphanet 319462, MedGen C1838457, MONDO:0011584, OMIM 605724.

Allele frequency attached by ClinVar (database versions not stated): ExAC 0.00005; ESP Exome Variant Server 0.00008; TOPMed 0.00016.
gnomAD v4.1: 475 of 1,607,264 alleles (0.03%); highest among the groups gnomAD compares: Non-Finnish European, 0.038%; no homozygotes.

Submissions (20):

Labcorp Genetics (formerly Invitae), Labcorp
Classification: Benign for Hereditary breast ovarian cancer syndrome. Last evaluated: 2026-01-31. Review status: criteria provided, single submitter. Criteria: Invitae Variant Classification Sherloc (09022015). Collection method: clinical testing. Allele origin: germline.

Center for Genomic Medicine, Rigshospitalet, Copenhagen University Hospital
Classification: Likely benign. Last evaluated: 2025-03-04. Review status: criteria provided, single submitter. Criteria: ACMG Guidelines, 2015. Collection method: clinical testing. Allele origin: germline.

Mayo Clinic Laboratories, Mayo Clinic
Classification: Benign. Last evaluated: 2025-02-21. Review status: criteria provided, single submitter. Criteria: ACMG Guidelines, 2015. Collection method: clinical testing. Allele origin: germline. Observed: 3 variant alleles.
Comment: BS1, BP1_strong, BP5_moderate

ARUP Laboratories, Molecular Genetics and Genomics, ARUP Laboratories
Classification: Benign. Last evaluated: 2024-09-19. Review status: criteria provided, single submitter. Criteria: ARUP Molecular Germline Variant Investigation Process 2024. Collection method: clinical testing. Allele origin: germline.

Blueprint Genetics
Classification: Likely benign. Last evaluated: 2024-04-04. Review status: criteria provided, single submitter. Criteria: ACMG Guidelines, 2015. Collection method: clinical testing. Allele origin: germline.

University of Washington Department of Laboratory Medicine, University of Washington
Classification: Likely benign for Hereditary cancer-predisposing syndrome. Last evaluated: 2023-03-23. Review status: criteria provided, single submitter. Criteria: Dines et al. (Genet Med. 2020). Collection method: curation. Allele origin: germline.
Comment: Missense variant in a coldspot region where missense variants are very unlikely to be pathogenic (PMID:31911673).

BRCA2 exon 10 coldspot. Reclassification based on statistical prior probability.

GeneDx
Classification: Likely benign. Last evaluated: 2021-11-24. Review status: criteria provided, single submitter. Criteria: GeneDx Variant Classification Process June 2021. Collection method: clinical testing. Allele origin: germline. Affected: yes.
Comment: This variant is associated with the following publications: (PMID: 22476429, 25248401, 20104584, 18559594, 21990134, 21952622, 27208206, 24763404, 20167696)

Sema4
Classification: Likely benign for Hereditary cancer-predisposing syndrome. Last evaluated: 2021-07-22. Review status: criteria provided, single submitter. Criteria: Sema4 Curation Guidelines. Collection method: curation. Allele origin: germline.

Genetic Services Laboratory, University of Chicago
Classification: Likely benign. Last evaluated: 2019-03-18. Review status: criteria provided, single submitter. Criteria: ACMG Guidelines, 2015. Collection method: clinical testing. Allele origin: germline. Affected: no.

Illumina Laboratory Services, Illumina
Classification: Uncertain significance for Fanconi anemia complementation group D1. Last evaluated: 2018-08-30. Review status: criteria provided, single submitter. Criteria: ICSL Variant Classification Criteria 13 December 2019. Collection method: clinical testing. Allele origin: germline.

Illumina Laboratory Services, Illumina
Classification: Uncertain significance for Breast-ovarian cancer, familial, susceptibility to, 2. Last evaluated: 2018-08-30. Review status: criteria provided, single submitter. Criteria: ICSL Variant Classification Criteria 13 December 2019. Collection method: clinical testing. Allele origin: germline.

PreventionGenetics, part of Exact Sciences
Classification: Likely benign. Last evaluated: 2017-08-17. Review status: criteria provided, single submitter. Criteria: ACMG Guidelines, 2015. Collection method: clinical testing. Allele origin: germline.

Institute for Biomarker Research, Medical Diagnostic Laboratories, L.L.C.
Classification: Likely benign for Hereditary cancer-predisposing syndrome. Last evaluated: 2017-07-12. Review status: criteria provided, single submitter. Criteria: ACMG Guidelines, 2015. Collection method: clinical testing. Allele origin: germline.

Color Diagnostics, LLC DBA Color Health
Classification: Benign for Hereditary cancer-predisposing syndrome. Last evaluated: 2015-12-15. Review status: criteria provided, single submitter. Criteria: ACMG Guidelines, 2015. Collection method: clinical testing. Allele origin: germline.

Ambry Genetics
Classification: Benign for Hereditary cancer-predisposing syndrome. Last evaluated: 2014-11-19. Review status: criteria provided, single submitter. Criteria: Ambry Variant Classification Scheme 2023. Collection method: clinical testing. Allele origin: germline.

BRCAlab, Lund University
Classification: Likely benign for Breast-ovarian cancer, familial, susceptibility to, 2. Last evaluated: 2020-03-02. Review status: no assertion criteria provided. Collection method: clinical testing. Allele origin: germline. Affected: yes. Not counted in ClinVar's aggregate classification.

Counsyl
Classification: Likely benign for Breast-ovarian cancer, familial 2. Last evaluated: 2014-08-12. Review status: no assertion criteria provided. Collection method: literature only. Allele origin: unknown. Inheritance: Autosomal dominant inheritance. Not counted in ClinVar's aggregate classification.

Sharing Clinical Reports Project (SCRP)
Classification: Benign for Breast-ovarian cancer, familial 2. Last evaluated: 2011-03-03. Review status: no assertion criteria provided. Collection method: clinical testing. Allele origin: germline. Not counted in ClinVar's aggregate classification.

Breast Cancer Information Core (BIC) (BRCA2)
Classification: Uncertain significance for Breast-ovarian cancer, familial 2. Last evaluated: 2002-05-29. Review status: no assertion criteria provided. Collection method: clinical testing. Allele origin: germline. Affected: yes. Observed: 12 variant alleles. Not counted in ClinVar's aggregate classification.

Department of Pathology and Laboratory Medicine, Sinai Health System
Classification: Likely benign for Breast-ovarian cancer, familial, susceptibility to, 2. Review status: no assertion criteria provided. Collection method: clinical testing. Allele origin: unknown. Affected: yes. Observed: 2 variant alleles. Study: The Canadian Open Genetics Repository (COGR). Not counted in ClinVar's aggregate classification.
Comment: The p.Ala487Glu variant was identified in 4 of 5096 proband chromosomes (frequency: 0.001) from individuals with breast or ovarian cancer (Borg 2010, Lindor 2012, Soegaard 2008); however, control chromosomes were not evaluated in these studies, thus the prevalence of this variant in the general population could not be determined. The variant was also identified in dbSNP (ID: rs56390402), the ClinVar database (classified as a benign variant by Ambry Genetics and the Sharing Clinical Reports Project (derived from Myriad reports); classified as likely benign by GeneDx), the BIC database (21X with unknown clinical importance), and UMD (6X as an unclassified variant). In UMD the variant was identified in one sample with a co-occurring pathogenic BRCA2 variant (c.6816_6820delAAGAG (p.Gly2274AlafsX17)), and in another sample with a co-occurring pathogenic BRCA1 variant (c.4327C>T (p.Arg1443X)), increasing the likelihood that the p.Ala487Glu variant does not have clinical significance. The variant was listed in the Exome Aggregation Consortium (ExAC) database (released Oct 20th, 2014) in 6 of 66248 chromosomes (frequency: 0.00009) from a population of European (Non-Finnish) individuals, and was also found in 1 of 8598 European American chromosomes in the Exome Variant Server ESP project. This low number of observations and low frequency is not substantive enough to determine the prevalence of the variant in the general population and its relationship to disease. The variant occurs outside of the splicing consensus sequence and one of five in silico or computational prediction software programs (SpliceSiteFinder, MaxEntScan, NNSPLICE, GeneSplicer, HumanSpliceFinder) predicts a difference in splicing, but this information is not very predictive of pathogenicity. The p.Ala487 residue is not conserved in mammals and other organisms, and computational analyses (PolyPhen-2, SIFT, AlignGVGD, BLOSUM, MutationTaster) provide inconsistent predictions regarding the impact to the protein; this information is not very predictive of pathogenicity. In summary, based on the above information, the clinical significance of this variant cannot be determined with certainty at this time although we would lean towards a more benign role for this variant. This variant is classified as predicted benign.

Literature cited by the submitters: PubMed 18559594 (cited by 3 submitters); PubMed 20104584 (cited by 3 submitters); PubMed 22476429 (cited by 3 submitters); PubMed 33471991 (cited by Sema4); PubMed 31131967 (cited by Sema4); PubMed 21990134 (cited by Counsyl); PubMed 21520273 (cited by Counsyl).